The following is an entry in ClinVar:

ClinVar aggregate classification (germline): Likely benign. Review status: criteria provided, multiple submitters, no conflicts (2 of 4 stars). 2 submissions from 2 submitters: Likely benign (2). Last evaluated 2025-08-19.

Conditions:
Birt-Hogg-Dube syndrome 1 (BHD1). Also called: FIBROFOLLICULOMAS WITH TRICHODISCOMAS AND ACROCHORDONS. Identifiers: Orphanet 122, MedGen CN375946, MONDO:0800445, OMIM 135150.
Birt-Hogg-Dube syndrome. Also called: Birt Hogg Dubé syndrome. Identifiers: Orphanet 122, MedGen C0346010, MONDO:0800444.

Allele frequency attached by ClinVar (database versions not stated): gnomAD 0.00001; TOPMed 0.00001.
gnomAD v4.1: 2 of 1,613,740 alleles (0.00012%); highest among the groups gnomAD compares: African/African-American, 0.0013%; no homozygotes.

Submissions (2):

Labcorp Genetics (formerly Invitae), Labcorp
Classification: Likely benign for Birt-Hogg-Dube syndrome. Last evaluated: 2025-08-19. Review status: criteria provided, single submitter. Criteria: Invitae Variant Classification Sherloc (09022015). Collection method: clinical testing. Allele origin: germline.

Myriad Genetics, Inc.
Classification: Likely benign for Birt-Hogg-Dube syndrome 1. Last evaluated: 2024-10-25. Review status: criteria provided, single submitter. Criteria: Myriad Autosomal Dominant, Autosomal Recessive and X-Linked Classification Criteria (2023). Collection method: clinical testing. Allele origin: unknown.
Comment: This variant is considered likely benign. This variant is intronic and is not expected to impact mRNA splicing.

NM_144997.7(FLCN):c.1433-20G>A

Gene: FLCN (folliculin; minus strand). Cytogenetic location: 17p11.2.
Variant type: single nucleotide variant.
Coding change: c.1433-20G>A on transcript NM_144997.7 (MANE Select); 20 bases into the intron before coding-DNA position 1433, G replaced by A.
Molecular consequence: intron variant.
Genome position (GRCh38, 1-based): chr17:17,215,110, C>T on the plus strand (G>A on the coding strand, the complement: FLCN is on the minus strand). VCF-style: chr17-17215110-C-T. GRCh37 (hg19) VCF-style: chr17-17118424-C-T.
Other names: c.1433-20G>A (NM_001353231.2, NM_001353230.2); c.1487-20G>A (NM_001353229.2).
Identifiers: ClinVar variation 2731529 (VCV002731529.4), dbSNP rs1364704962, ClinGen allele CA726583721.
Genomic context (GRCh38, chr17:17,215,110, plus strand): 5'-GGTCAGAGCCGCTTCAATCTTATTCAGGATGGTGGGGCCCACTGGGGAGAAGGGCAGGGG[C>T]AGAGCAAGGGCAGGCGTTAGCGCGGGGCGGGGGCATCTTCTCACAAAAAGGACACTCTGC-3'